The following is an entry in ClinVar:

ClinVar aggregate classification (germline): Uncertain significance (1 of 4 stars; one submission).

Allele frequency attached by ClinVar (database versions not stated): 1000 Genomes Project 30x 0.00016.

Submission:

Labcorp Genetics (formerly Invitae), Labcorp
Classification: Uncertain significance. Last evaluated: 2021-09-24. Review status: criteria provided, single submitter. Criteria: Invitae Variant Classification Sherloc (09022015). Collection method: clinical testing. Allele origin: germline.
Comment: This sequence change replaces lysine with glutamine at codon 296 of the MDH2 protein (p.Lys296Gln). The lysine residue is highly conserved and there is a small physicochemical difference between lysine and glutamine. This variant is present in population databases (rs201419515, ExAC 0.01%). This variant has not been reported in the literature in individuals affected with MDH2-related conditions. Algorithms developed to predict the effect of missense changes on protein structure and function (SIFT, PolyPhen-2, Align-GVGD) all suggest that this variant is likely to be tolerated. Algorithms developed to predict the effect of sequence changes on RNA splicing suggest that this variant may disrupt the consensus splice site. In summary, the available evidence is currently insufficient to determine the role of this variant in disease. Therefore, it has been classified as a Variant of Uncertain Significance.

NM_005918.4(MDH2):c.886A>C (p.Lys296Gln)

Gene: MDH2 (malate dehydrogenase 2; plus strand). Cytogenetic location: 7q11.23.
Variant type: single nucleotide variant.
Coding change: c.886A>C on transcript NM_005918.4 (MANE Select); coding-DNA position 886, A replaced by C.
Protein change: p.Lys296Gln; replaces lysine 296 with glutamine.
Molecular consequence: missense variant.
Genome position (GRCh38, 1-based): chr7:76,066,279, A>C. VCF-style: chr7-76066279-A-C. GRCh37 (hg19) VCF-style: chr7-75695597-A-C.
Other names: c.760A>C, p.Lys254Gln (NM_001282403.2); c.565A>C, p.Lys189Gln (NM_001282404.2); short protein forms K254Q, K189Q, K296Q.
Identifiers: ClinVar variation 1462569 (VCV001462569.5), dbSNP rs201419515, ClinGen allele CA4305760.
Genomic context (GRCh38, chr7:76,066,279, plus strand): 5'-GGTTTCTCTAACAAGCACTTTCCTGGAAACTTCATTTTAACATGTTCCCATCTCCCTCAG[A>C]AAAAGGGCATCGAGAAGAACCTGGGCATCGGCAAAGTCTCCTCTTTTGAGGAGAAGATGA-3'
Protein context (NP_005909.2, residues 286-306): TYFSTPLLLG[Lys296Gln]KGIEKNLGIG